The following is an entry in ClinVar:

NM_001110556.2(FLNA):c.6905_6907+4del

Gene: FLNA (filamin A; minus strand). Cytogenetic location: Xq28.
Variant type: Deletion.
Coding change: c.6905_6907+4del on transcript NM_001110556.2 (MANE Select); coding-DNA position 6905 through 4 bases into the intron after coding-DNA position 6907, 7 bases deleted (CAGGTAC; older notation c.6905_6907+4delCAGGTAC).
Molecular consequence: splice donor variant.
Genome position (GRCh38, 1-based): chrX:154,351,880-154,351,886, GTACCTG deleted on the plus strand (CAGGTAC on the coding strand, the reverse complement: FLNA is on the minus strand); deleting any 7 consecutive bases within chrX:154,351,880-154,351,887 gives the same sequence; the c. name uses the placement nearest the transcript's 3' end. VCF-style (leftmost placement, unchanged base first): chrX-154351879-AGTACCTG-A. GRCh37 (hg19) VCF-style: chrX-153580247-AGTACCTG-A.
Other names: c.6881_6883+4del (NM_001456.4).
Identifiers: ClinVar variation 2631607 (VCV002631607.1), dbSNP rs2522719482, ClinGen allele CA2695197199.

ClinVar aggregate classification (germline): Likely pathogenic (1 of 4 stars; one submission).

Conditions:
FLNA-related disorder.

Submission:

PreventionGenetics, part of Exact Sciences
Classification: Likely pathogenic for FLNA-related condition. Last evaluated: 2023-06-30. Review status: criteria provided, single submitter. Criteria: ACMG Guidelines, 2015. Collection method: clinical testing. Allele origin: germline.
Comment: The FLNA c.6905_6907+4del7 variant is predicted to result in a deletion affecting a canonical splice site. This variant disrupts a canonical splice donor site and predicted to impact splicing (Alamut Visual Plus v1.6.1). To our knowledge, this variant has not been reported in the literature or in a large population database, indicating this variant is rare. Splicing variants in FLNA are expected to be pathogenic and have been reported in patients with periventricular nodular heterotopia (Billon et al. 2021. PubMed ID: 34863227; Lange et al. 2015. PubMed ID: 26471271). This variant is interpreted as likely pathogenic.